The following is an entry in ClinVar:

NM_001365951.3(KIF1B):c.5185T>C (p.Tyr1729His)

Gene: KIF1B (kinesin family member 1B; plus strand). Cytogenetic location: 1p36.22.
Variant type: single nucleotide variant.
Coding change: c.5185T>C on transcript NM_001365951.3 (MANE Select); coding-DNA position 5185, T replaced by C.
Protein change: p.Tyr1729His; replaces tyrosine 1729 with histidine.
Molecular consequence: missense variant.
Genome position (GRCh38, 1-based): chr1:10,374,942, T>C. VCF-style: chr1-10374942-T-C. GRCh37 (hg19) VCF-style: chr1-10435000-T-C.
Other names: c.5185T>C, p.Tyr1729His (NM_001365952.1); c.5047T>C, p.Tyr1683His (NM_015074.3); short protein forms Y1729H, Y1683H.
Identifiers: ClinVar variation 2194242 (VCV002194242.4), dbSNP rs2521982705, ClinGen allele CA338330716.

ClinVar aggregate classification (germline): Uncertain significance (1 of 4 stars; one submission).

Conditions:
Charcot-Marie-Tooth disease type 2. Also called: Charcot-Marie-Tooth type 2. Identifiers: Orphanet 64746, MedGen C0270914, MONDO:0018993.

Submission:

Labcorp Genetics (formerly Invitae), Labcorp
Classification: Uncertain significance for Charcot-Marie-Tooth disease type 2. Last evaluated: 2022-09-19. Review status: criteria provided, single submitter. Criteria: Invitae Variant Classification Sherloc (09022015). Collection method: clinical testing. Allele origin: germline.
Comment: In summary, the available evidence is currently insufficient to determine the role of this variant in disease. Therefore, it has been classified as a Variant of Uncertain Significance. Algorithms developed to predict the effect of missense changes on protein structure and function are either unavailable or do not agree on the potential impact of this missense change (SIFT: "Deleterious"; PolyPhen-2: "Probably Damaging"; Align-GVGD: "Class C0"). This variant has not been reported in the literature in individuals affected with KIF1B-related conditions. This variant is not present in population databases (gnomAD no frequency). This sequence change replaces tyrosine, which is neutral and polar, with histidine, which is basic and polar, at codon 1683 of the KIF1B protein (p.Tyr1683His).